The following is an entry in ClinVar:

NM_002473.6(MYH9):c.5795G>A (p.Arg1932His)

Gene: MYH9 (myosin heavy chain 9; minus strand). Cytogenetic location: 22q12.3.
Variant type: single nucleotide variant.
Coding change: c.5795G>A on transcript NM_002473.6 (MANE Select); coding-DNA position 5795, G replaced by A.
Protein change: p.Arg1932His; replaces arginine 1932 with histidine.
Molecular consequence: missense variant.
Genome position (GRCh38, 1-based): chr22:36,282,756, C>T on the plus strand (G>A on the coding strand, the complement: MYH9 is on the minus strand). VCF-style: chr22-36282756-C-T. GRCh37 (hg19) VCF-style: chr22-36678802-C-T.
Other names: short protein forms R1932H.
Identifiers: ClinVar variation 3159220 (VCV003159220.3), dbSNP rs1291058743, ClinGen allele CA411371546.

ClinVar aggregate classification (germline): Uncertain significance. Review status: criteria provided, multiple submitters, no conflicts (2 of 4 stars). 3 submissions from 3 submitters: Uncertain significance (3). Last evaluated 2024-10-24.

Conditions:
Autosomal dominant nonsyndromic hearing loss 17. Also called: Deafness, autosomal dominant 17; Autosomal dominant nonsyndromic deafness 17. Identifiers: Orphanet 90635, MedGen C1863659, MONDO:0011350, OMIM 603622.
Macrothrombocytopenia and granulocyte inclusions with or without nephritis or sensorineural hearing loss (MATINS). Also called: MAY-HEGGLIN ANOMALY; DOHLE LEUKOCYTE INCLUSIONS WITH GIANT PLATELETS; MACROTHROMBOCYTOPENIA WITH LEUKOCYTE INCLUSIONS; BLEEDING DISORDER, PLATELET-TYPE, 6; SEBASTIAN PLATELET SYNDROME; MACROTHROMBOCYTOPENIA WITH DISPERSED LEUKOCYTIC INCLUSIONS. Identifiers: Orphanet 182050, MedGen C5200934, MONDO:0015912, OMIM 155100.
Inborn genetic diseases. Identifiers: MedGen C0950123, MeSH D030342.

Allele frequency attached by ClinVar (database versions not stated): gnomAD exomes below 0.00001; TOPMed 0.00001.
gnomAD v4.1: 5 of 1,612,944 alleles (0.00031%); highest among the groups gnomAD compares: Middle Eastern, 0.017%; no homozygotes.

Submissions (3):

GeneDx
Classification: Uncertain significance. Last evaluated: 2024-10-24. Review status: criteria provided, single submitter. Criteria: GeneDx Variant Classification Process June 2021. Collection method: clinical testing. Allele origin: germline. Affected: yes.
Comment: Not observed at significant frequency in large population cohorts (gnomAD); In silico analysis indicates that this missense variant does not alter protein structure/function; Has not been previously published as pathogenic or benign to our knowledge

Fulgent Genetics
Classification: Uncertain significance for Macrothrombocytopenia and granulocyte inclusions with or without nephritis or sensorineural hearing loss; Autosomal dominant nonsyndromic hearing loss 17. Last evaluated: 2024-01-25. Review status: criteria provided, single submitter. Criteria: ACMG Guidelines, 2015. Collection method: clinical testing. Allele origin: germline.

Ambry Genetics
Classification: Uncertain significance for Inborn genetic diseases. Last evaluated: 2023-12-12. Review status: criteria provided, single submitter. Criteria: Ambry Variant Classification Scheme 2023. Collection method: clinical testing. Allele origin: germline.